The following is an entry in ClinVar:

NC_000010.11:g.(?_54066757)_(54090063_?)dup

Gene: PCDH15 (protocadherin related 15; minus strand). Cytogenetic location: 10q21.1.
Variant type: Duplication.
Identifiers: ClinVar variation 832680 (VCV000832680.6).

ClinVar aggregate classification (germline): Uncertain significance (1 of 4 stars; one submission).

Submission:

Labcorp Genetics (formerly Invitae), Labcorp
Classification: Uncertain significance. Last evaluated: 2019-10-14. Review status: criteria provided, single submitter. Criteria: Invitae Variant Classification Sherloc (09022015). Collection method: clinical testing. Allele origin: germline.
Comment: In summary, the available evidence is currently insufficient to determine the role of this variant in disease. Therefore, it has been classified as a Variant of Uncertain Significance. This variant has not been reported in the literature in individuals with PCDH15-related conditions. This variant results in a copy number gain of the genomic region encompassing exons 16-18 of the PCDH15 gene. While the exact position of this variant cannot be determined from this data, sub-genic copy number gains are generally in tandem (PMID: 25640679). This variant would be expected to be in-frame, preserving the integrity of the reading frame.

Literature cited by the submitters: PubMed 25640679.